The following is an entry in ClinVar:

NM_201384.3(PLEC):c.12103C>T (p.Leu4035=)

Gene: PLEC (plectin; minus strand). Cytogenetic location: 8q24.3.
Variant type: single nucleotide variant.
Coding change: c.12103C>T on transcript NM_201384.3 (MANE Select); coding-DNA position 12103, C replaced by T.
Protein change: p.Leu4035=; no amino-acid change (leucine 4035 retained).
Molecular consequence: synonymous variant.
Genome position (GRCh38, 1-based): chr8:143,917,718, G>A on the plus strand (C>T on the coding strand, the complement: PLEC is on the minus strand). VCF-style: chr8-143917718-G-A. GRCh37 (hg19) VCF-style: chr8-144991886-G-A.
Other names: c.12184C>T, p.Leu4062= (NM_000445.5); c.8803C>T, p.Leu2935= (NM_001410941.1); c.12061C>T, p.Leu4021= (NM_201378.4); c.12037C>T, p.Leu4013= (NM_201379.3); c.12514C>T, p.Leu4172= (NM_201380.4); c.12007C>T, p.Leu4003= (NM_201381.3); c.12103C>T, p.Leu4035= (NM_201382.4); c.12115C>T, p.Leu4039= (NM_201383.3).
Identifiers: ClinVar variation 4991587 (VCV004991587.1).

ClinVar aggregate classification (germline): Likely benign (1 of 4 stars; one submission).

Conditions:
PLEC-related disorder. Also called: PLEC-related disorders; PLEC-related condition.

gnomAD v4.1: 2 of 1,613,614 alleles (0.00012%); highest among the groups gnomAD compares: African/African-American, 0.0027%; no homozygotes.

Submission:

PreventionGenetics, part of Exact Sciences
Classification: Likely benign for PLEC-related condition. Last evaluated: 2026-09-14. Review status: criteria provided, single submitter. Criteria: ACMG Guidelines, 2015. Collection method: clinical testing. Allele origin: germline.
Comment: This variant is classified as likely benign based on ACMG/AMP sequence variant interpretation guidelines (Richards et al. 2015 PMID: 25741868, with internal and published modifications).